The following is an entry in ClinVar:

NM_000143.4(FH):c.738+1del

Gene: FH (fumarate hydratase; minus strand). Cytogenetic location: 1q43.
Variant type: Deletion.
Coding change: c.738+1del on transcript NM_000143.4 (MANE Select); the canonical splice donor site of the intron after coding-DNA position 738, one base deleted (G; older notation c.738+1delG).
Molecular consequence: splice donor variant.
Genome position (GRCh38, 1-based): chr1:241,508,602, C deleted on the plus strand (G on the coding strand, the reverse complement: FH is on the minus strand); the first of 2 consecutive C bases (chr1:241,508,602-241,508,603); deleting either gives the same sequence. VCF-style (leftmost placement, unchanged base first): chr1-241508601-AC-A. GRCh37 (hg19) VCF-style: chr1-241671901-AC-A.
Identifiers: ClinVar variation 4843539 (VCV004843539.1).

ClinVar aggregate classification (germline): Likely pathogenic (1 of 4 stars; one submission).

Conditions:
Hereditary cancer-predisposing syndrome. Also called: Neoplastic Syndromes, Hereditary; Tumor predisposition; Hereditary Cancer Syndrome; Hereditary neoplastic syndrome. Identifiers: Orphanet 140162, MedGen C0027672, MeSH D009386, MONDO:0015356.

Submission:

Ambry Genetics
Classification: Likely pathogenic for Hereditary cancer-predisposing syndrome. Last evaluated: 2025-12-16. Review status: criteria provided, single submitter. Criteria: Ambry Variant Classification Scheme 2023. Collection method: clinical testing. Allele origin: germline.
Comment: The c.738+1delG intronic variant, located in intron 5 of the FH gene, results from a deletion of one nucleotide within intron 5 of the FH gene. In silico splice site analysis predicts that this alteration will weaken the native splice donor site and may result in the creation or strengthening of a novel splice donor site. The resulting transcript is predicted to be in-frame and is not expected to trigger nonsense-mediated mRNA decay. RNA studies have demonstrated that this alteration results in abnormal splicing in the set of samples tested (Ambry internal data). The region predicted to be impacted is critical for protein function and a significant portion of the protein is predicted to be impacted (Ambry internal data). This nucleotide position is highly conserved in available vertebrate species. This variant is considered to be rare based on population cohorts in the Genome Aggregation Database (gnomAD). Based on the majority of available evidence to date, this variant is likely to be pathogenic.